The following is an entry in ClinVar:

ClinVar aggregate classification (germline): Uncertain significance (1 of 4 stars; one submission).

Allele frequency attached by ClinVar (database versions not stated): gnomAD exomes below 0.00001.
gnomAD v4.1: 2 of 1,545,958 alleles (0.00013%); highest among the groups gnomAD compares: South Asian, 0.0012%; no homozygotes.

Submission:

Labcorp Genetics (formerly Invitae), Labcorp
Classification: Uncertain significance. Last evaluated: 2022-02-06. Review status: criteria provided, single submitter. Criteria: Invitae Variant Classification Sherloc (09022015). Collection method: clinical testing. Allele origin: germline.
Comment: Advanced modeling of protein sequence and biophysical properties (such as structural, functional, and spatial information, amino acid conservation, physicochemical variation, residue mobility, and thermodynamic stability) performed at Invitae indicates that this missense variant is not expected to disrupt CACNA1B protein function. This variant has not been reported in the literature in individuals affected with CACNA1B-related conditions. This variant is not present in population databases (gnomAD no frequency). This sequence change replaces proline, which is neutral and non-polar, with serine, which is neutral and polar, at codon 2117 of the CACNA1B protein (p.Pro2117Ser). In summary, the available evidence is currently insufficient to determine the role of this variant in disease. Therefore, it has been classified as a Variant of Uncertain Significance.

NM_000718.4(CACNA1B):c.6349C>T (p.Pro2117Ser)

Gene: CACNA1B (calcium voltage-gated channel subunit alpha1 B; plus strand). Cytogenetic location: 9q34.3.
Variant type: single nucleotide variant.
Coding change: c.6349C>T on transcript NM_000718.4 (MANE Select); coding-DNA position 6349, C replaced by T.
Protein change: p.Pro2117Ser; replaces proline 2117 with serine.
Molecular consequence: missense variant.
Genome position (GRCh38, 1-based): chr9:138,120,741, C>T. VCF-style: chr9-138120741-C-T. GRCh37 (hg19) VCF-style: chr9-141015193-C-T.
Other names: c.6349C>T, p.Pro2117Ser (NM_001243812.2); short protein forms P2117S.
Identifiers: ClinVar variation 1917405 (VCV001917405.5), dbSNP rs756428122, ClinGen allele CA5377691.